The following is an entry in ClinVar:

NM_022725.4(FANCF):c.790A>T (p.Thr264Ser)

Gene: FANCF (FA complementation group F; minus strand). Cytogenetic location: 11p14.3.
Variant type: single nucleotide variant.
Coding change: c.790A>T on transcript NM_022725.4 (MANE Select); coding-DNA position 790, A replaced by T.
Protein change: p.Thr264Ser; replaces threonine 264 with serine.
Molecular consequence: missense variant.
Genome position (GRCh38, 1-based): chr11:22,625,021, T>A on the plus strand (A>T on the coding strand, the complement: FANCF is on the minus strand). VCF-style: chr11-22625021-T-A. GRCh37 (hg19) VCF-style: chr11-22646567-T-A.
Other names: short protein forms T264S.
Identifiers: ClinVar variation 1386452 (VCV001386452.8), dbSNP rs1663559839, ClinGen allele CA380058321.

ClinVar aggregate classification (germline): Uncertain significance (1 of 4 stars; one submission).

Conditions:
Fanconi anemia (FA). Also called: Fanconi's anemia. Identifiers: Orphanet 84, MedGen C0015625, MeSH D005199, MONDO:0019391.

Submission:

Labcorp Genetics (formerly Invitae), Labcorp
Classification: Uncertain significance for Fanconi anemia. Last evaluated: 2022-05-18. Review status: criteria provided, single submitter. Criteria: Invitae Variant Classification Sherloc (09022015). Collection method: clinical testing. Allele origin: germline.
Comment: This sequence change replaces threonine, which is neutral and polar, with serine, which is neutral and polar, at codon 264 of the FANCF protein (p.Thr264Ser). This variant is not present in population databases (gnomAD no frequency). This variant has not been reported in the literature in individuals affected with FANCF-related conditions. Algorithms developed to predict the effect of missense changes on protein structure and function (SIFT, PolyPhen-2, Align-GVGD) all suggest that this variant is likely to be tolerated. In summary, the available evidence is currently insufficient to determine the role of this variant in disease. Therefore, it has been classified as a Variant of Uncertain Significance.